The following is an entry in ClinVar:

ClinVar aggregate classification (germline): Uncertain significance (1 of 4 stars; one submission).

Allele frequency attached by ClinVar (database versions not stated): gnomAD exomes below 0.00001 and 0.00001; ExAC 0.00001.
gnomAD v4.1: 2 of 1,614,028 alleles (0.00012%); highest among the groups gnomAD compares: Admixed American, 0.0017%; no homozygotes.

Submission:

Labcorp Genetics (formerly Invitae), Labcorp
Classification: Uncertain significance. Last evaluated: 2021-09-15. Review status: criteria provided, single submitter. Criteria: Invitae Variant Classification Sherloc (09022015). Collection method: clinical testing. Allele origin: germline.
Comment: In summary, the available evidence is currently insufficient to determine the role of this variant in disease. Therefore, it has been classified as a Variant of Uncertain Significance. Advanced modeling of protein sequence and biophysical properties (such as structural, functional, and spatial information, amino acid conservation, physicochemical variation, residue mobility, and thermodynamic stability) performed at Invitae indicates that this missense variant is not expected to disrupt CPLANE1 protein function. This variant has not been reported in the literature in individuals affected with CPLANE1-related conditions. This variant is present in population databases (rs757674599, ExAC 0.009%). This sequence change replaces proline with alanine at codon 2136 of the CPLANE1 protein (p.Pro2136Ala). The proline residue is highly conserved and there is a small physicochemical difference between proline and alanine.

NM_001384732.1(CPLANE1):c.6406C>G (p.Pro2136Ala)

Gene: CPLANE1 (ciliogenesis and planar polarity effector complex subunit 1; minus strand). Cytogenetic location: 5p13.2.
Variant type: single nucleotide variant.
Coding change: c.6406C>G on transcript NM_001384732.1 (MANE Select); coding-DNA position 6406, C replaced by G.
Protein change: p.Pro2136Ala; replaces proline 2136 with alanine.
Molecular consequence: missense variant.
Genome position (GRCh38, 1-based): chr5:37,170,097, G>C on the plus strand (C>G on the coding strand, the complement: CPLANE1 is on the minus strand). VCF-style: chr5-37170097-G-C. GRCh37 (hg19) VCF-style: chr5-37170199-G-C.
Other names: c.6406C>G, p.Pro2136Ala (NM_023073.4); short protein forms P2136A.
Identifiers: ClinVar variation 1367054 (VCV001367054.6), dbSNP rs757674599, ClinGen allele CA3238265.